The following is an entry in ClinVar:

ClinVar aggregate classification (germline): Conflicting classifications of pathogenicity. Review status: criteria provided, conflicting classifications (1 of 4 stars). 4 submissions from 4 submitters: Uncertain significance (2); Likely benign (2). Last evaluated 2024-10-23.

Conditions:
Hereditary cancer-predisposing syndrome. Also called: Hereditary neoplastic syndrome; Hereditary Cancer Syndrome; Neoplastic Syndromes, Hereditary; Tumor predisposition. Identifiers: Orphanet 140162, MedGen C0027672, MeSH D009386, MONDO:0015356.
Tuberous sclerosis 2 (TSC2). Identifiers: Orphanet 805, MedGen C1860707, MONDO:0013199, OMIM 613254.

Allele frequency attached by ClinVar (database versions not stated): gnomAD exomes below 0.00001.
gnomAD v4.1: 1 of 1,606,916 alleles (0.000062%); highest among the groups gnomAD compares: South Asian, 0.0011%; no homozygotes.

Submissions (4):

Blueprint Genetics
Classification: Likely benign. Last evaluated: 2024-10-23. Review status: criteria provided, single submitter. Criteria: ACMG Guidelines, 2015. Collection method: clinical testing. Allele origin: germline.

Labcorp Genetics (formerly Invitae), Labcorp
Classification: Uncertain significance for Tuberous sclerosis 2. Last evaluated: 2024-02-15. Review status: criteria provided, single submitter. Criteria: Invitae Variant Classification Sherloc (09022015). Collection method: clinical testing. Allele origin: germline.
Comment: This sequence change replaces leucine, which is neutral and non-polar, with phenylalanine, which is neutral and non-polar, at codon 1347 of the TSC2 protein (p.Leu1347Phe). This variant is not present in population databases (gnomAD no frequency). This variant has not been reported in the literature in individuals affected with TSC2-related conditions. ClinVar contains an entry for this variant (Variation ID: 935558). Advanced modeling of protein sequence and biophysical properties (such as structural, functional, and spatial information, amino acid conservation, physicochemical variation, residue mobility, and thermodynamic stability) performed at Invitae indicates that this missense variant is not expected to disrupt TSC2 protein function with a negative predictive value of 95%. In summary, the available evidence is currently insufficient to determine the role of this variant in disease. Therefore, it has been classified as a Variant of Uncertain Significance.

Ambry Genetics
Classification: Likely benign for Hereditary cancer-predisposing syndrome. Last evaluated: 2024-01-21. Review status: criteria provided, single submitter. Criteria: Ambry Variant Classification Scheme 2023. Collection method: clinical testing. Allele origin: germline.

GeneDx
Classification: Uncertain significance. Last evaluated: 2023-12-21. Review status: criteria provided, single submitter. Criteria: GeneDx Variant Classification Process June 2021. Collection method: clinical testing. Allele origin: germline. Affected: yes.
Comment: Not observed at significant frequency in large population cohorts (gnomAD); In silico analysis supports that this missense variant does not alter protein structure/function; Has not been previously published as pathogenic or benign to our knowledge

NM_000548.5(TSC2):c.4039C>T (p.Leu1347Phe)

Gene: TSC2 (TSC complex subunit 2; plus strand). Cytogenetic location: 16p13.3.
Variant type: single nucleotide variant.
Coding change: c.4039C>T on transcript NM_000548.5 (MANE Select); coding-DNA position 4039, C replaced by T.
Protein change: p.Leu1347Phe; replaces leucine 1347 with phenylalanine.
Molecular consequence: missense variant.
Genome position (GRCh38, 1-based): chr16:2,084,261, C>T. VCF-style: chr16-2084261-C-T. GRCh37 (hg19) VCF-style: chr16-2134262-C-T.
Other names: c.3838C>T, p.Leu1280Phe (NM_001077183.3); c.3970C>T, p.Leu1324Phe (NM_001114382.3); c.3730C>T, p.Leu1244Phe (NM_001318827.2); c.3694C>T, p.Leu1232Phe (NM_001318829.2); c.3307C>T, p.Leu1103Phe (NM_001318831.2); c.3871C>T, p.Leu1291Phe (NM_001318832.2); c.3841C>T, p.Leu1281Phe (NM_001363528.2); c.3907C>T, p.Leu1303Phe (NM_001370404.1); and 1 more; short protein forms L1280F, L1281F, L1291F, L1324F, L1103F, L1304F, L1232F, L1244F.
Identifiers: ClinVar variation 935558 (VCV000935558.12), dbSNP rs377050648, ClinGen allele CA394299285.